The following is an entry in ClinVar:

NM_007294.4(BRCA1):c.330G>T (p.Lys110Asn)

Gene: BRCA1 (BRCA1 DNA repair associated; minus strand). Cytogenetic location: 17q21.31.
Variant type: single nucleotide variant.
Coding change: c.330G>T on transcript NM_007294.4 (MANE Select); coding-DNA position 330, G replaced by T.
Protein change: p.Lys110Asn; replaces lysine 110 with asparagine.
Molecular consequence: missense variant. On other transcripts: non-coding transcript variant (1).
Genome position (GRCh38, 1-based): chr17:43,104,233, C>A on the plus strand (G>T on the coding strand, the complement: BRCA1 is on the minus strand). VCF-style: chr17-43104233-C-A. GRCh37 (hg19) VCF-style: chr17-41256250-C-A.
Other names: c.330G>T, p.Lys110Asn (NM_001407688.1, NM_001407689.1, NM_001407690.1 and 165 more transcripts); c.189G>T, p.Lys63Asn (NM_001407692.1, NM_001407694.1, NM_001407695.1 and 99 more transcripts); c.120G>T, p.Lys40Asn (NM_001407571.1, NM_001407853.1, NM_001407879.1 and 58 more transcripts); c.321G>T, p.Lys107Asn (NM_001407646.1, NM_001407647.1, NM_001408408.1); c.252G>T, p.Lys84Asn (NM_001407653.1, NM_001407654.1, NM_001407655.1 and 21 more transcripts); c.-52G>T (NM_001407959.1, NM_001407960.1, NM_001407962.1 and 4 more transcripts); c.198G>T, p.Lys66Asn (NM_001408451.1); short protein forms K107N, K110N, K63N, K40N, K66N, K84N.
Identifiers: ClinVar variation 2039757 (VCV002039757.4), dbSNP rs878854947, ClinGen allele CA10601486.

ClinVar aggregate classification (germline): Uncertain significance (1 of 4 stars; one submission).

Conditions:
Hereditary breast ovarian cancer syndrome. Also called: Hereditary breast and ovarian cancer syndrome (HBOC); Breast and ovarian cancer; Hereditary breast and ovarian cancer syndrome; Hereditary breast and/or ovarian cancer syndrome; BRCA1- and BRCA2-Associated Hereditary Breast and Ovarian Cancer; Hereditary breast and ovarian cancer. Identifiers: Orphanet 145, MedGen C0677776, MeSH D061325, MONDO:0003582. Disease mechanism: loss of function.

Submission:

Labcorp Genetics (formerly Invitae), Labcorp
Classification: Uncertain significance for Hereditary breast ovarian cancer syndrome. Last evaluated: 2021-12-11. Review status: criteria provided, single submitter. Criteria: Invitae Variant Classification Sherloc (09022015). Collection method: clinical testing. Allele origin: germline.
Comment: This sequence change replaces lysine, which is basic and polar, with asparagine, which is neutral and polar, at codon 110 of the BRCA1 protein (p.Lys110Asn). This variant is not present in population databases (gnomAD no frequency). This variant has not been reported in the literature in individuals affected with BRCA1-related conditions. Advanced modeling of protein sequence and biophysical properties (such as structural, functional, and spatial information, amino acid conservation, physicochemical variation, residue mobility, and thermodynamic stability) performed at Invitae indicates that this missense variant is not expected to disrupt BRCA1 protein function. In summary, the available evidence is currently insufficient to determine the role of this variant in disease. Therefore, it has been classified as a Variant of Uncertain Significance.